The following is an entry in ClinVar:

ClinVar aggregate classification (germline): Likely benign (1 of 4 stars; one submission).

Allele frequency attached by ClinVar (database versions not stated): TOPMed below 0.00001; gnomAD 0.00001.

Submission:

GeneDx
Classification: Likely benign. Last evaluated: 2015-12-12. Review status: criteria provided, single submitter. Criteria: GeneDx Variant Classification (06012015). Collection method: clinical testing. Allele origin: germline. Affected: yes.
Comment: This variant is considered likely benign or benign based on one or more of the following criteria: it is a conservative change, it occurs at a poorly conserved position in the protein, it is predicted to be benign by multiple in silico algorithms, and/or has population frequency not consistent with disease.

NM_002524.5(NRAS):c.-30A>G

Genes: NRAS (NRAS proto-oncogene, GTPase; minus strand), LOC129931249 (ATAC-STARR-seq lymphoblastoid active region 1549; plus strand). Cytogenetic location: 1p13.2.
Variant type: single nucleotide variant.
Coding change: c.-30A>G on transcript NM_002524.5 (MANE Select); 30 bases upstream of the start codon, A replaced by G.
Molecular consequence: 5 prime UTR variant.
Genome position (GRCh38, 1-based): chr1:114,716,670, T>C on the plus strand (A>G on the coding strand, the complement: NRAS is on the minus strand). VCF-style: chr1-114716670-T-C. GRCh37 (hg19) VCF-style: chr1-115259291-T-C.
Other names: c.-30A>G (LRG_92t1).
Identifiers: ClinVar variation 382263 (VCV000382263.1), dbSNP rs1039310983, ClinGen allele CA16603396.